The following is an entry in ClinVar:

ClinVar aggregate classification (germline): Uncertain significance (1 of 4 stars; one submission).

Submission:

Labcorp Genetics (formerly Invitae), Labcorp
Classification: Uncertain significance. Last evaluated: 2024-12-03. Review status: criteria provided, single submitter. Criteria: Invitae Variant Classification Sherloc (09022015). Collection method: clinical testing. Allele origin: germline.
Comment: This sequence change replaces serine, which is neutral and polar, with glycine, which is neutral and non-polar, at codon 196 of the AAGAB protein (p.Ser196Gly). This variant is not present in population databases (gnomAD no frequency). This variant has not been reported in the literature in individuals affected with AAGAB-related conditions. ClinVar contains an entry for this variant (Variation ID: 1375362). An algorithm developed to predict the effect of missense changes on protein structure and function outputs the following: PolyPhen-2: "Benign". The glycine amino acid residue is found in multiple mammalian species, which suggests that this missense change does not adversely affect protein function. In summary, the available evidence is currently insufficient to determine the role of this variant in disease. Therefore, it has been classified as a Variant of Uncertain Significance.

NM_024666.5(AAGAB):c.586A>G (p.Ser196Gly)

Gene: AAGAB (alpha and gamma adaptin binding protein; minus strand). Cytogenetic location: 15q23.
Variant type: single nucleotide variant.
Coding change: c.586A>G on transcript NM_024666.5 (MANE Select); coding-DNA position 586, A replaced by G.
Protein change: p.Ser196Gly; replaces serine 196 with glycine.
Molecular consequence: missense variant.
Genome position (GRCh38, 1-based): chr15:67,209,494, T>C on the plus strand (A>G on the coding strand, the complement: AAGAB is on the minus strand). VCF-style: chr15-67209494-T-C. GRCh37 (hg19) VCF-style: chr15-67501832-T-C.
Other names: c.259A>G, p.Ser87Gly (NM_001271886.2, NM_001271885.2); short protein forms S196G, S87G.
Identifiers: ClinVar variation 1375362 (VCV001375362.6), dbSNP rs201808670, ClinGen allele CA392960880.